The following is an entry in ClinVar:

NM_014874.4(MFN2):c.2018T>C (p.Leu673Pro)

Gene: MFN2 (mitofusin 2; plus strand). Cytogenetic location: 1p36.22.
Variant type: single nucleotide variant.
Coding change: c.2018T>C on transcript NM_014874.4 (MANE Select); coding-DNA position 2018, T replaced by C.
Protein change: p.Leu673Pro; replaces leucine 673 with proline.
Molecular consequence: missense variant.
Genome position (GRCh38, 1-based): chr1:12,007,198, T>C. VCF-style: chr1-12007198-T-C. GRCh37 (hg19) VCF-style: chr1-12067255-T-C.
Other names: p.Leu673Pro; c.2018T>C, p.Leu673Pro (NM_001127660.2); short protein forms L673P.
Identifiers: ClinVar variation 637748 (VCV000637748.49), dbSNP rs1569871653, ClinGen allele CA338451573.

ClinVar aggregate classification (germline): Uncertain significance. Review status: criteria provided, multiple submitters, no conflicts (2 of 4 stars). 4 submissions from 4 submitters: Uncertain significance (3). 1 of the submissions does not count toward it. Last evaluated 2026-08-08.

Conditions:
Neuropathy, hereditary motor and sensory, type 6A (HMSN6A). Also called: NEUROPATHY, HEREDITARY MOTOR AND SENSORY, TYPE VIA; HMSN VIA; CHARCOT-MARIE-TOOTH DISEASE, TYPE 6A; NEUROPATHY, HEREDITARY MOTOR AND SENSORY, TYPE VIA, WITH OPTIC ATROPHY. Identifiers: MedGen CN305336, MONDO:0011002, OMIM 601152.
Charcot-Marie-Tooth disease type 2. Also called: Charcot-Marie-Tooth type 2. Identifiers: Orphanet 64746, MedGen C0270914, MONDO:0018993.
Charcot-Marie-Tooth disease. Also called: Charcot-Marie-Tooth Hereditary Neuropathy; Charcot-Marie-Tooth Neuropathy. Identifiers: Orphanet 166, MedGen C0007959, MONDO:0015626.

Submissions (4):

Foundation for Research in Genetics and Endocrinology, FRIGE's Institute of Human Genetics
Classification: Uncertain significance for Neuropathy, hereditary motor and sensory, type 6A. Last evaluated: 2026-08-08. Review status: criteria provided, single submitter. Criteria: ACMG Guidelines, 2015. Collection method: clinical testing. Allele origin: germline. Inheritance: Autosomal dominant inheritance. Affected: yes. Observed: 1 variant allele, 1 heterozygote.
Comment: The heterozygous variant c.2018T>C; p.Leu673Pro, has been detected in the gene on chromosomal position chr1:12007198:T>C. It is located in exon 17 of the transcript NM_014874.4 and it leads to a change in amino acid from Leucine to Proline at codon 673. This variant has not been reported in population frequency databases such as gnomAD and ExAC. This variant is predicted to be deleterious by in silico prediction tools such as Revel, AlphaMissense, SIFT, MutationTaster, FATHMM, DANN, MetaLR, PrimateAI and BayesDel. In summary, the variant meets our criteria to be classified as variant of uncertain significance.

Labcorp Genetics (formerly Invitae), Labcorp
Classification: Uncertain significance for Charcot-Marie-Tooth disease type 2. Last evaluated: 2021-06-29. Review status: criteria provided, single submitter. Criteria: Invitae Variant Classification Sherloc (09022015). Collection method: clinical testing. Allele origin: germline.
Comment: In summary, the available evidence is currently insufficient to determine the role of this variant in disease. Therefore, it has been classified as a Variant of Uncertain Significance. Advanced modeling of protein sequence and biophysical properties (such as structural, functional, and spatial information, amino acid conservation, physicochemical variation, residue mobility, and thermodynamic stability) performed at Invitae indicates that this missense variant is expected to disrupt MFN2 protein function. ClinVar contains an entry for this variant (Variation ID: 637748). This variant has been observed in individual(s) with clinical features of Charcot-Marie-Tooth disease (PMID: 22492563). This variant is not present in population databases (ExAC no frequency). This sequence change replaces leucine with proline at codon 673 of the MFN2 protein (p.Leu673Pro). The leucine residue is highly conserved and there is a moderate physicochemical difference between leucine and proline.

CeGaT Center for Human Genetics Tuebingen
Classification: Uncertain significance. Last evaluated: 2019-10-01. Review status: criteria provided, single submitter. Criteria: CeGaT Center For Human Genetics Tuebingen Variant Classification Criteria Version 2. Collection method: clinical testing. Allele origin: germline. Affected: yes. Observed: 1 variant allele.

Inherited Neuropathy Consortium
Classification: Uncertain significance for Charcot-Marie-Tooth disease. Review status: no assertion criteria provided. Collection method: literature only. Allele origin: germline. Affected: yes. Not counted in ClinVar's aggregate classification.

Literature cited by the submitters: PubMed 22492563 (cited by Labcorp Genetics (formerly Invitae), Labcorp and Inherited Neuropathy Consortium).